The following is an entry in ClinVar:

ClinVar aggregate classification (germline): Conflicting classifications of pathogenicity. Review status: criteria provided, conflicting classifications (1 of 4 stars). 9 submissions from 9 submitters: Uncertain significance (8); Likely benign (1). Last evaluated 2024-07-02.

Conditions:
Cardiovascular phenotype. Identifiers: MedGen CN230736.
Cardiomyopathy (CMYO). Also called: Cardiomyopathies. Identifiers: Orphanet 167848, MedGen C0878544, MONDO:0004994, HP:0001638. Inheritance: Various modes of inheritance.
Arrhythmogenic cardiomyopathy with wooly hair and keratoderma. Also called: PALMOPLANTAR KERATODERMA WITH LEFT VENTRICULAR CARDIOMYOPATHY AND WOOLLY HAIR; Arrhythmogenic cardiomyopathy with woolly hair and keratoderma; Dilated cardiomyopathy with woolly hair and keratoderma; Carvajal syndrome. Identifiers: Orphanet 65282, MedGen C1854063, MONDO:0011581, OMIM 605676.
Arrhythmogenic right ventricular dysplasia 8 (ARVD8). Also called: Arrhythmogenic Right Ventricular Dysplasia/Cardiomyopathy 8; ARRHYTHMOGENIC RIGHT VENTRICULAR DYSPLASIA, FAMILIAL, 8; ARRHYTHMOGENIC RIGHT VENTRICULAR CARDIOMYOPATHY 8. Identifiers: MedGen C1843896, MONDO:0011831, OMIM 607450.
Long QT syndrome (LQTS). Identifiers: MedGen C0023976, MeSH D008133, MONDO:0002442. Disease mechanism: loss of function. Inheritance: Various modes of inheritance.

Allele frequency attached by ClinVar (database versions not stated): gnomAD 0.00001; gnomAD exomes 0.00001 and 0.00002; TOPMed 0.00001; ExAC 0.00002.
gnomAD v4.1: 19 of 1,614,222 alleles (0.0012%); highest among the groups gnomAD compares: Middle Eastern, 0.016%; no homozygotes.

Submissions (9):

Labcorp Genetics (formerly Invitae), Labcorp
Classification: Likely benign for Arrhythmogenic cardiomyopathy with wooly hair and keratoderma; Arrhythmogenic right ventricular dysplasia 8. Last evaluated: 2024-07-02. Review status: criteria provided, single submitter. Criteria: Invitae Variant Classification Sherloc (09022015). Collection method: clinical testing. Allele origin: germline.

Blueprint Genetics
Classification: Uncertain significance. Last evaluated: 2024-06-20. Review status: criteria provided, single submitter. Criteria: ACMG Guidelines, 2015. Collection method: clinical testing. Allele origin: germline.

Color Diagnostics, LLC DBA Color Health
Classification: Uncertain significance for Cardiomyopathy. Last evaluated: 2024-03-06. Review status: criteria provided, single submitter. Criteria: ACMG Guidelines, 2015. Collection method: clinical testing. Allele origin: germline.
Comment: This missense variant replaces glutamic acid with glycine at codon 2090 of the DSP protein. Computational prediction suggests that this variant may have deleterious impact on protein structure and function (internally defined REVEL score threshold >= 0.7, PMID: 27666373). To our knowledge, functional studies have not been reported for this variant. This variant has not been reported in individuals affected with DSP-related disorders in the literature. This variant has been identified in 6/251392 chromosomes in the general population by the Genome Aggregation Database (gnomAD). The available evidence is insufficient to determine the role of this variant in disease conclusively. Therefore, this variant is classified as a Variant of Uncertain Significance.

All of Us Research Program, National Institutes of Health
Classification: Uncertain significance for Arrhythmogenic cardiomyopathy with wooly hair and keratoderma. Last evaluated: 2024-02-22. Review status: criteria provided, single submitter. Criteria: ACMG Guidelines, 2015. Collection method: clinical testing. Allele origin: germline. Inheritance: Autosomal dominant inheritance. Observed: 2 variant alleles, 2 heterozygotes.
Comment: This missense variant replaces glutamic acid with glycine at codon 2090 of the DSP protein. Computational prediction suggests that this variant may have deleterious impact on protein structure and function (internally defined REVEL score threshold >= 0.7, PMID: 27666373). To our knowledge, functional studies have not been reported for this variant. This variant has not been reported in individuals affected with DSP-related disorders in the literature. This variant has been identified in 6/251392 chromosomes in the general population by the Genome Aggregation Database (gnomAD). The available evidence is insufficient to determine the role of this variant in disease conclusively. Therefore, this variant is classified as a Variant of Uncertain Significance.

This study involves interpretation of variants in research participants for the purpose of population health screening. Participant phenotype was not available at the time of variant classification. Additional details can be found in publication PMID: 35346344, PMCID: PMC8962531

Dept of Medical Biology, Uskudar University
Classification: Uncertain significance for Long QT syndrome. Last evaluated: 2024-01-08. Review status: criteria provided, single submitter. Criteria: Dept of Medical Biology Variant Classification. Collection method: research. Allele origin: maternal. Affected: yes. Observed: 1 variant allele.
Comment: Criteria: PM2, PP3

Ambry Genetics
Classification: Uncertain significance for Cardiovascular phenotype. Last evaluated: 2023-12-03. Review status: criteria provided, single submitter. Criteria: Ambry Variant Classification Scheme 2023. Collection method: clinical testing. Allele origin: germline.
Comment: The p.E2090G variant (also known as c.6269A>G), located in coding exon 24 of the DSP gene, results from an A to G substitution at nucleotide position 6269. The glutamic acid at codon 2090 is replaced by glycine, an amino acid with similar properties. This amino acid position is conserved. In addition, the in silico prediction for this alteration is inconclusive. Since supporting evidence is limited at this time, the clinical significance of this alteration remains unclear.

KardioGenetik, Herz- und Diabeteszentrum NRW
Classification: Uncertain significance for Arrhythmogenic right ventricular dysplasia 8. Last evaluated: 2023-10-18. Review status: criteria provided, single submitter. Criteria: ACMG Guidelines, 2015. Collection method: clinical testing. Allele origin: unknown. Observed: 1 variant allele.

GeneDx
Classification: Uncertain significance. Last evaluated: 2020-07-14. Review status: criteria provided, single submitter. Criteria: GeneDx Variant Classification Process June 2021. Collection method: clinical testing. Allele origin: germline. Affected: yes.
Comment: Has not been previously published as pathogenic or benign to our knowledge; Identified in patients referred for cardiomyopathy genetic testing at GeneDx, although one of these probands harbored an additional cardiogenetic variant that likely contributed to the phenotype; In silico analysis, which includes protein predictors and evolutionary conservation, supports a deleterious effect; Reported in ClinVar as a variant of uncertain significance (ClinVar Variant ID# 234989; Landrum et al., 2016)

Stanford Center for Inherited Cardiovascular Disease, Stanford University
Classification: Uncertain significance. Last evaluated: 2014-05-16. Review status: criteria provided, single submitter. Criteria: ACMG Guidelines, 2015. Collection method: provider interpretation. Allele origin: germline.

NM_004415.4(DSP):c.6269A>G (p.Glu2090Gly)

Gene: DSP (desmoplakin; plus strand). Cytogenetic location: 6p24.3.
Variant type: single nucleotide variant.
Coding change: c.6269A>G on transcript NM_004415.4 (MANE Select); coding-DNA position 6269, A replaced by G.
Protein change: p.Glu2090Gly; replaces glutamic acid 2090 with glycine.
Molecular consequence: missense variant.
Genome position (GRCh38, 1-based): chr6:7,583,531, A>G. VCF-style: chr6-7583531-A-G. GRCh37 (hg19) VCF-style: chr6-7583764-A-G.
Other names: c.6269A>G (LRG_423t1); c.4472A>G, p.Glu1491Gly (NM_001008844.3); c.4940A>G, p.Glu1647Gly (NM_001319034.2); short protein forms E2090G, E1647G, E1491G.
Identifiers: ClinVar variation 234989 (VCV000234989.25), dbSNP rs755069593, ClinGen allele CA047213.
Genomic context (GRCh38, chr6:7,583,531, plus strand): 5'-ACAGTGCCATAGCTCGGGACCTCATTGACTTCGATGACCGTCAGCAGATATATGCAGCAG[A>G]AAAAGCTATCACTGGTTTTGATGATCCATTTTCAGGCAAGACAGTATCTGTTTCAGAAGC-3'
Protein context (NP_004406.2, residues 2080-2100): FDDRQQIYAA[Glu2090Gly]KAITGFDDPF